The following is an entry in ClinVar:

NM_024675.4(PALB2):c.2800_2801del (p.Val934fs)

Gene: PALB2 (partner and localizer of BRCA2; minus strand). Cytogenetic location: 16p12.2.
Variant type: Microsatellite.
Coding change: c.2800_2801del on transcript NM_024675.4 (MANE Select); coding-DNA positions 2800 to 2801, 2 bases deleted (GT; older notation c.2800_2801delGT).
Protein change: p.Val934fs; shifts the reading frame from valine 934.
Molecular consequence: frameshift variant.
Genome position (GRCh38, 1-based): chr16:23,624,042-23,624,043, AC deleted on the plus strand (GT on the coding strand, the reverse complement: PALB2 is on the minus strand); deleting any 2 consecutive bases within chr16:23,624,042-23,624,049 gives the same sequence; the c. name uses the placement nearest the transcript's 3' end. VCF-style (leftmost placement, unchanged base first): chr16-23624041-TAC-T. GRCh37 (hg19) VCF-style: chr16-23635362-TAC-T.
Other names: short protein forms V934fs.
Identifiers: ClinVar variation 1452662 (VCV001452662.7), dbSNP rs2142343437, ClinGen allele CA2580612729.
Genomic context (GRCh38, chr16:23,624,041, plus strand): 5'-AACAAATCACTCCTTGGGAATTACATACCTGATCTCTCTGATTTCCAAATTTCCCAAAGC[TAC>T]ACACACGAGATTATACACATCAGGCACTGGAACTATCTGTAATACTGGAACCTAAATAAA-3'

ClinVar aggregate classification (germline): Pathogenic. Review status: criteria provided, multiple submitters, no conflicts (2 of 4 stars). 2 submissions from 2 submitters: Pathogenic (2). Last evaluated 2024-03-26.

Conditions:
Familial cancer of breast. Also called: Hereditary breast cancer; hereditary breast carcinoma; BREAST CANCER, FAMILIAL. Identifiers: Orphanet 227535, MedGen C0346153, MONDO:0016419, OMIM 114480. Disease mechanism: loss of function.

Submissions (2):

Labcorp Genetics (formerly Invitae), Labcorp
Classification: Pathogenic for Familial cancer of breast. Last evaluated: 2024-03-26. Review status: criteria provided, single submitter. Criteria: Invitae Variant Classification Sherloc (09022015). Collection method: clinical testing. Allele origin: germline.
Comment: This sequence change creates a premature translational stop signal (p.Val934Serfs*18) in the PALB2 gene. It is expected to result in an absent or disrupted protein product. Loss-of-function variants in PALB2 are known to be pathogenic (PMID: 17200668, 17200671, 17200672, 24136930, 25099575). This variant is not present in population databases (gnomAD no frequency). This variant has not been reported in the literature in individuals affected with PALB2-related conditions. For these reasons, this variant has been classified as Pathogenic.

Myriad Genetics, Inc.
Classification: Pathogenic for Familial cancer of breast. Last evaluated: 2023-09-13. Review status: criteria provided, single submitter. Criteria: Myriad Autosomal Dominant, Autosomal Recessive and X-Linked Classification Criteria (2023). Collection method: clinical testing. Allele origin: unknown.
Comment: This variant is considered pathogenic. This variant creates a frameshift predicted to result in premature protein truncation.

Literature cited by the submitters: PubMed 17200668 (cited by Labcorp Genetics (formerly Invitae), Labcorp); PubMed 17200671 (cited by Labcorp Genetics (formerly Invitae), Labcorp); PubMed 17200672 (cited by Labcorp Genetics (formerly Invitae), Labcorp); PubMed 24136930 (cited by Labcorp Genetics (formerly Invitae), Labcorp); PubMed 25099575 (cited by Labcorp Genetics (formerly Invitae), Labcorp).